The following is an entry in ClinVar:

NM_181303.2(NLGN3):c.2101C>G (p.Pro701Ala)

Gene: NLGN3 (neuroligin 3; plus strand). Cytogenetic location: Xq13.1.
Variant type: single nucleotide variant.
Coding change: c.2101C>G on transcript NM_181303.2 (MANE Select); coding-DNA position 2101, C replaced by G.
Protein change: p.Pro701Ala; replaces proline 701 with alanine.
Molecular consequence: missense variant.
Genome position (GRCh38, 1-based): chrX:71,169,651, C>G. VCF-style: chrX-71169651-C-G. GRCh37 (hg19) VCF-style: chrX-70389501-C-G.
Other names: c.1981C>G, p.Pro661Ala (NM_001166660.2); c.1690C>G, p.Pro564Ala (NM_001321276.2); c.2041C>G, p.Pro681Ala (NM_018977.4); short protein forms P564A, P661A, P681A, P701A.
Identifiers: ClinVar variation 3602256 (VCV003602256.1).
Genomic context (GRCh38, chrX:71,169,651, plus strand): 5'-GAGAATGCCCAGGGGTCCTGGAACGGGGACCAGGATGCAGGGCCACTCCTGGTGGAGAAC[C>G]CTCGTGACTACTCCACTGAATTAAGTGTCACCATCGCCGTGGGGGCCTCCCTCCTGTTCC-3'
Protein context (NP_851820.1, residues 691-711): QDAGPLLVEN[Pro701Ala]RDYSTELSVT

ClinVar aggregate classification (germline): Uncertain significance (1 of 4 stars; one submission).

gnomAD v4.1: 4 of 1,210,585 alleles (0.00033%); highest among the groups gnomAD compares: African/African-American, 0.0035%; no homozygotes.

Submission:

GeneDx
Classification: Uncertain significance. Last evaluated: 2024-07-30. Review status: criteria provided, single submitter. Criteria: GeneDx Variant Classification Process June 2021. Collection method: clinical testing. Allele origin: germline. Affected: yes.
Comment: Not observed at significant frequency in large population cohorts (gnomAD); In silico analysis supports that this missense variant does not alter protein structure/function; Has not been previously published as pathogenic or benign to our knowledge